The following is an entry in ClinVar:

ClinVar aggregate classification (germline): Uncertain significance. Review status: criteria provided, multiple submitters, no conflicts (2 of 4 stars). 4 submissions from 4 submitters: Uncertain significance (4). Last evaluated 2024-11-14.

Conditions:
Chédiak-Higashi syndrome (CHS). Also called: Chediak-Higashi Syndrome. Identifiers: Orphanet 167, MedGen C0007965, MONDO:0008963, OMIM 214500.

Allele frequency attached by ClinVar (database versions not stated): gnomAD 0.00001; gnomAD exomes 0.00001; TOPMed 0.00001.
gnomAD v4.1: 11 of 1,613,604 alleles (0.00068%); highest among the groups gnomAD compares: African/African-American, 0.0013%; no homozygotes.

Submissions (4):

GeneDx
Classification: Uncertain significance. Last evaluated: 2024-11-14. Review status: criteria provided, single submitter. Criteria: GeneDx Variant Classification Process June 2021. Collection method: clinical testing. Allele origin: germline. Affected: yes.
Comment: In silico analysis supports that this missense variant has a deleterious effect on protein structure/function; Has not been previously published as pathogenic or benign to our knowledge

Labcorp Genetics (formerly Invitae), Labcorp
Classification: Uncertain significance for Chédiak-Higashi syndrome. Last evaluated: 2024-05-05. Review status: criteria provided, single submitter. Criteria: Invitae Variant Classification Sherloc (09022015). Collection method: clinical testing. Allele origin: germline.
Comment: This sequence change replaces tyrosine, which is neutral and polar, with cysteine, which is neutral and slightly polar, at codon 3111 of the LYST protein (p.Tyr3111Cys). The frequency data for this variant in the population databases is considered unreliable, as metrics indicate poor data quality at this position in the gnomAD database. This variant has not been reported in the literature in individuals affected with LYST-related conditions. ClinVar contains an entry for this variant (Variation ID: 296363). Advanced modeling of protein sequence and biophysical properties (such as structural, functional, and spatial information, amino acid conservation, physicochemical variation, residue mobility, and thermodynamic stability) performed at Invitae indicates that this missense variant is not expected to disrupt LYST protein function with a negative predictive value of 80%. In summary, the available evidence is currently insufficient to determine the role of this variant in disease. Therefore, it has been classified as a Variant of Uncertain Significance.

Fulgent Genetics
Classification: Uncertain significance for Chédiak-Higashi syndrome. Last evaluated: 2021-11-12. Review status: criteria provided, single submitter. Criteria: ACMG Guidelines, 2015. Collection method: clinical testing. Allele origin: unknown.

Illumina Laboratory Services, Illumina
Classification: Uncertain significance for Chédiak-Higashi syndrome. Last evaluated: 2018-01-12. Review status: criteria provided, single submitter. Criteria: ICSL Variant Classification Criteria 13 December 2019. Collection method: clinical testing. Allele origin: germline.

NM_000081.4(LYST):c.9332A>G (p.Tyr3111Cys)

Gene: LYST (lysosomal trafficking regulator; minus strand). Cytogenetic location: 1q42.3.
Variant type: single nucleotide variant.
Coding change: c.9332A>G on transcript NM_000081.4 (MANE Select); coding-DNA position 9332, A replaced by G.
Protein change: p.Tyr3111Cys; replaces tyrosine 3111 with cysteine.
Molecular consequence: missense variant.
Genome position (GRCh38, 1-based): chr1:235,720,889, T>C on the plus strand (A>G on the coding strand, the complement: LYST is on the minus strand). VCF-style: chr1-235720889-T-C. GRCh37 (hg19) VCF-style: chr1-235884189-T-C.
Other names: c.9332A>G (NM_000081.2); c.9332A>G, p.Tyr3111Cys (NM_001301365.1); short protein forms Y3111C.
Identifiers: ClinVar variation 296363 (VCV000296363.10), dbSNP rs886046171, ClinGen allele CA10610472.